The following is an entry in ClinVar:

ClinVar aggregate classification (germline): Uncertain significance (1 of 4 stars; one submission).

Conditions:
COG7 congenital disorder of glycosylation (CDG2E). Also called: CONGENITAL DISORDER OF GLYCOSYLATION, TYPE IIe; CDG IIe. Identifiers: Orphanet 79333, MedGen C2931010, MONDO:0012118, OMIM 608779.

Allele frequency attached by ClinVar (database versions not stated): gnomAD exomes below 0.00001.

Submission:

Labcorp Genetics (formerly Invitae), Labcorp
Classification: Uncertain significance for COG7 congenital disorder of glycosylation. Last evaluated: 2022-03-17. Review status: criteria provided, single submitter. Criteria: Invitae Variant Classification Sherloc (09022015). Collection method: clinical testing. Allele origin: germline.
Comment: This sequence change replaces proline, which is neutral and non-polar, with serine, which is neutral and polar, at codon 567 of the COG7 protein (p.Pro567Ser). This variant is not present in population databases (gnomAD no frequency). This variant has not been reported in the literature in individuals affected with COG7-related conditions. Algorithms developed to predict the effect of missense changes on protein structure and function output the following: SIFT: "Tolerated"; PolyPhen-2: "Benign"; Align-GVGD: "Class C0". The serine amino acid residue is found in multiple mammalian species, which suggests that this missense change does not adversely affect protein function. In summary, the available evidence is currently insufficient to determine the role of this variant in disease. Therefore, it has been classified as a Variant of Uncertain Significance.

NM_153603.4(COG7):c.1699C>T (p.Pro567Ser)

Gene: COG7 (component of oligomeric golgi complex 7; minus strand). Cytogenetic location: 16p12.2.
Variant type: single nucleotide variant.
Coding change: c.1699C>T on transcript NM_153603.4 (MANE Select); coding-DNA position 1699, C replaced by T.
Protein change: p.Pro567Ser; replaces proline 567 with serine.
Molecular consequence: missense variant.
Genome position (GRCh38, 1-based): chr16:23,403,798, G>A on the plus strand (C>T on the coding strand, the complement: COG7 is on the minus strand). VCF-style: chr16-23403798-G-A. GRCh37 (hg19) VCF-style: chr16-23415119-G-A.
Other names: short protein forms P567S.
Identifiers: ClinVar variation 2113310 (VCV002113310.4), dbSNP rs2506567868, ClinGen allele CA395118084.